The following is an entry in ClinVar:

ClinVar aggregate classification (germline): Uncertain significance (1 of 4 stars; one submission).

Conditions:
Charcot-Marie-Tooth disease type 4. Also called: Charcot-Marie-Tooth disease, type IV; Charcot-Marie-Tooth, Type 4. Identifiers: Orphanet 64749, MedGen C4082197, MONDO:0018995.

Submission:

Labcorp Genetics (formerly Invitae), Labcorp
Classification: Uncertain significance for Charcot-Marie-Tooth disease type 4. Last evaluated: 2024-03-14. Review status: criteria provided, single submitter. Criteria: Invitae Variant Classification Sherloc (09022015). Collection method: clinical testing. Allele origin: germline.
Comment: This sequence change replaces histidine, which is basic and polar, with arginine, which is basic and polar, at codon 986 of the SH3TC2 protein (p.His986Arg). This variant is not present in population databases (gnomAD no frequency). This variant has not been reported in the literature in individuals affected with SH3TC2-related conditions. ClinVar contains an entry for this variant (Variation ID: 642184). Advanced modeling of protein sequence and biophysical properties (such as structural, functional, and spatial information, amino acid conservation, physicochemical variation, residue mobility, and thermodynamic stability) performed at Invitae indicates that this missense variant is not expected to disrupt SH3TC2 protein function with a negative predictive value of 80%. In summary, the available evidence is currently insufficient to determine the role of this variant in disease. Therefore, it has been classified as a Variant of Uncertain Significance.

NM_024577.4(SH3TC2):c.2957A>G (p.His986Arg)

Gene: SH3TC2 (SH3 domain and tetratricopeptide repeats 2; minus strand). Cytogenetic location: 5q32.
Variant type: single nucleotide variant.
Coding change: c.2957A>G on transcript NM_024577.4 (MANE Select); coding-DNA position 2957, A replaced by G.
Protein change: p.His986Arg; replaces histidine 986 with arginine.
Molecular consequence: missense variant.
Genome position (GRCh38, 1-based): chr5:149,026,668, T>C on the plus strand (A>G on the coding strand, the complement: SH3TC2 is on the minus strand). VCF-style: chr5-149026668-T-C. GRCh37 (hg19) VCF-style: chr5-148406231-T-C.
Other names: short protein forms H986R.
Identifiers: ClinVar variation 642184 (VCV000642184.8), dbSNP rs1580899530, ClinGen allele CA361665246.
Genomic context (GRCh38, chr5:149,026,668, plus strand): 5'-GACTCCAGCAGCCTCCCTTCCATCTCCCGGTCCCTGAGTTGCTGAGCCAGGGCCAGCCAG[T>C]GCTCATGGTAGGTGATGCATGCCTCAGGGTTTGGGGACACAGAGCTGTAGAAATGGCAGA-3'
Protein context (NP_078853.2, residues 976-996): NPEACITYHE[His986Arg]WLALAQQLRD